The following is an entry in ClinVar:

NM_004539.4(NARS1):c.421+1G>A

Gene: NARS1 (asparaginyl-tRNA synthetase 1; minus strand). Cytogenetic location: 18q21.31.
Variant type: single nucleotide variant.
Coding change: c.421+1G>A on transcript NM_004539.4 (MANE Select); the canonical splice donor site of the intron after coding-DNA position 421, G replaced by A.
Molecular consequence: splice donor variant.
Genome position (GRCh38, 1-based): chr18:57,613,601, C>T on the plus strand (G>A on the coding strand, the complement: NARS1 is on the minus strand). VCF-style: chr18-57613601-C-T. GRCh37 (hg19) VCF-style: chr18-55280833-C-T.
Identifiers: ClinVar variation 1879400 (VCV001879400.29), dbSNP rs2511575230, ClinGen allele CA402552283.

ClinVar aggregate classification (germline): Likely pathogenic (1 of 4 stars; one submission).

Submission:

CeGaT Center for Human Genetics Tuebingen
Classification: Likely pathogenic. Last evaluated: 2022-11-01. Review status: criteria provided, single submitter. Criteria: CeGaT Center For Human Genetics Tuebingen Variant Classification Criteria Version 2. Collection method: clinical testing. Allele origin: germline. Affected: yes. Observed: 1 variant allele.
Comment: NARS1: PVS1:Strong, PM2